The following is an entry in ClinVar:

ClinVar aggregate classification (germline): Pathogenic. Review status: criteria provided, multiple submitters, no conflicts (2 of 4 stars). 3 submissions from 3 submitters: Pathogenic (3). Last evaluated 2025-03-28.

Conditions:
Bainbridge-Ropers syndrome. Also called: Severe feeding difficulties-failure to thrive-microcephaly due to ASXL3 deficiency syndrome. Identifiers: Orphanet 352577, MedGen C4750837, MONDO:0014205, OMIM 615485.

Submissions (3):

GeneDx
Classification: Pathogenic. Last evaluated: 2025-03-28. Review status: criteria provided, single submitter. Criteria: GeneDx Variant Classification Process June 2021. Collection method: clinical testing. Allele origin: germline. Affected: yes.
Comment: Frameshift variant predicted to result in protein truncation, as the last 977 amino acids are replaced with 7 different amino acids, and other loss-of-function variants have been reported downstream in HGMD.; Not observed at significant frequency in large population cohorts (gnomAD); This variant is associated with the following publications: (PMID: 35982159, 38420660, 33057194, 34436830)

3billion
Classification: Pathogenic for Bainbridge-Ropers syndrome. Last evaluated: 2025-03-22. Review status: criteria provided, single submitter. Criteria: ACMG Guidelines, 2015. Collection method: clinical testing. Allele origin: germline. Affected: yes.
Comment: The variant is not observed in the gnomAD v4.1.0 dataset. Predicted Consequence/Location: rameshift: predicted to result in a loss or disruption of normal protein function through protein truncation. The predicted truncated protein may be shortened by more than 10%. The variant has been previously reported as de novo in a similarly affected individual (PMID: 34436830). The variant has been reported to be associated with ASXL3-related disorder (ClinVar ID: VCV001723054 / PMID: 34436830). Therefore, this variant is classified as athogenic according to the recommendation of ACMG/AMP guideline.

Human Genome Lab, NIMHANS, National Institute of Mental Health and Neuro Sciences
Classification: Pathogenic for Bainbridge-Ropers syndrome. Last evaluated: 2024-06-11. Review status: criteria provided, single submitter. Criteria: ACMG Guidelines, 2015. Collection method: clinical testing. Allele origin: de novo. Inheritance: Autosomal dominant inheritance. Affected: yes. Observed: 1 variant allele, 1 heterozygote.
Comment: The p.Thr1272Lysfs*8 variant is novel (not in any individuals) in 1kG All. The p.Thr1272Lysfs*8 variant is novel (not in any individuals) in TopMed All. The p.Thr1272Lysfs*8 variant is novel (not in any individuals) in gnomAD4-Joint-Variant Frequencies. This variant is predicted to cause loss of normal protein function through protein truncation caused a frameshift mutation. The frame shifted sequence continues 8 residues until a stop codon is reached. This variant has been previously classified as pathogenic, indicating that the region is critical to protein function. There are 39 downstream pathogenic loss of function variants, with the furthest variant being 958 residues downstream of this variant. This indicates that the region is critical to protein function. The p.Thr1272Lysfs*8 variant is a loss of function variant in the gene ASXL3, which is intolerant of Loss of Function variants, as indicated by the presence of existing pathogenic loss of function variant NP_085135.1:p.R232* and 104 others. For these reasons, this variant has been classified as Pathogenic. (ACMG criteria - PM2 PVS1_Strong PP5 PP4)

Literature cited by the submitters: PubMed 34436830 (cited by 3billion and Human Genome Lab, NIMHANS, National Institute of Mental Health and Neuro Sciences).

NM_030632.3(ASXL3):c.3811_3814dup (p.Thr1272fs)

Gene: ASXL3 (ASXL transcriptional regulator 3; plus strand). Cytogenetic location: 18q12.1.
Variant type: Duplication.
Coding change: c.3811_3814dup on transcript NM_030632.3 (MANE Select); coding-DNA positions 3811 to 3814, 4 bases duplicated (AACA; older notation c.3811_3814dupAACA).
Protein change: p.Thr1272fs; shifts the reading frame from threonine 1272.
Molecular consequence: frameshift variant.
Genome position (GRCh38, 1-based): chr18:33,743,659-33,743,662, AACA duplicated; duplicating any 4 consecutive bases within chr18:33,743,657-33,743,662 gives the same sequence; the c. name uses the placement nearest the transcript's 3' end. VCF-style (leftmost placement, unchanged base first): chr18-33743656-G-GCAAA. GRCh37 (hg19) VCF-style: chr18-31323620-G-GCAAA.
Other names: short protein forms T1272fs.
Identifiers: ClinVar variation 1723054 (VCV001723054.4), dbSNP rs2510926476, ClinGen allele CA2580095658.